The following is an entry in ClinVar:

NM_001130144.3(LTBP3):c.2726A>C (p.Glu909Ala)

Gene: LTBP3 (latent transforming growth factor beta binding protein 3; minus strand). Cytogenetic location: 11q13.1.
Variant type: single nucleotide variant.
Coding change: c.2726A>C on transcript NM_001130144.3 (MANE Select); coding-DNA position 2726, A replaced by C.
Protein change: p.Glu909Ala; replaces glutamic acid 909 with alanine.
Molecular consequence: missense variant.
Genome position (GRCh38, 1-based): chr11:65,541,293, T>G on the plus strand (A>C on the coding strand, the complement: LTBP3 is on the minus strand). VCF-style: chr11-65541293-T-G. GRCh37 (hg19) VCF-style: chr11-65308764-T-G.
Other names: c.2375A>C, p.Glu792Ala (NM_001164266.1); c.2726A>C, p.Glu909Ala (NM_021070.4); short protein forms E909A, E792A.
Identifiers: ClinVar variation 1795236 (VCV001795236.3), dbSNP rs998677694, ClinGen allele CA224010558.

ClinVar aggregate classification (germline): Uncertain significance (1 of 4 stars; one submission).

Conditions:
Inborn genetic diseases. Identifiers: MedGen C0950123, MeSH D030342.

Allele frequency attached by ClinVar (database versions not stated): gnomAD exomes below 0.00001; gnomAD 0.00001; TOPMed 0.00002.
gnomAD v4.1: 2 of 1,610,298 alleles (0.00012%); highest among the groups gnomAD compares: African/African-American, 0.0027%; no homozygotes.

Submission:

Ambry Genetics
Classification: Uncertain significance for Inborn genetic diseases. Last evaluated: 2025-09-04. Review status: criteria provided, single submitter. Criteria: Ambry Variant Classification Scheme 2023. Collection method: clinical testing. Allele origin: germline.
Comment: The p.E909A variant (also known as c.2726A>C) is located in coding exon 20 of the LTBP3 gene. The glutamic acid at codon 909 is replaced by alanine, an amino acid with dissimilar properties. This change occurs in the first base pair of coding exon 20. This amino acid position is conserved. In addition, the in silico prediction for this alteration is inconclusive. Since supporting evidence is limited at this time, the clinical significance of this alteration remains unclear.